The following is an entry in ClinVar:

ClinVar aggregate classification (germline): Pathogenic. Review status: reviewed by expert panel (3 of 4 stars). 7 submissions from 7 submitters: Pathogenic (1). 6 of the submissions do not count toward it. Last evaluated 2016-09-08.

Conditions:
Hereditary cancer-predisposing syndrome. Also called: Tumor predisposition; Neoplastic Syndromes, Hereditary; Hereditary Cancer Syndrome; Hereditary neoplastic syndrome. Identifiers: Orphanet 140162, MedGen C0027672, MeSH D009386, MONDO:0015356.
Hereditary breast ovarian cancer syndrome. Also called: Hereditary breast and ovarian cancer syndrome (HBOC); Hereditary breast and ovarian cancer syndrome; Hereditary breast and ovarian cancer; Hereditary breast and/or ovarian cancer syndrome; Breast and ovarian cancer; BRCA1- and BRCA2-Associated Hereditary Breast and Ovarian Cancer. Identifiers: Orphanet 145, MedGen C0677776, MeSH D061325, MONDO:0003582. Disease mechanism: loss of function.
Breast-ovarian cancer, familial, susceptibility to, 1 (BROVCA1). Also called: OVARIAN CANCER, SUSCEPTIBILITY TO; BRCA1 Hereditary Breast and Ovarian Cancer. Identifiers: Orphanet 145, MedGen C2676676, MONDO:0011450, OMIM 604370. Disease mechanism: loss of function.

Submissions (7):

Evidence-based Network for the Interpretation of Germline Mutant Alleles (ENIGMA)
Classification: Pathogenic for Breast-ovarian cancer, familial, susceptibility to, 1. Last evaluated: 2016-09-08. Review status: reviewed by expert panel. Criteria: ENIGMA BRCA1/2 Classification Criteria (2015). Collection method: curation. Allele origin: germline.
Comment: Variant allele predicted to encode a truncated non-functional protein.

Ambry Genetics
Classification: Pathogenic for Hereditary cancer-predisposing syndrome. Last evaluated: 2024-05-03. Review status: criteria provided, single submitter. Criteria: Ambry Variant Classification Scheme 2023. Collection method: clinical testing. Allele origin: germline. Not counted in ClinVar's aggregate classification.
Comment: The c.3013delG pathogenic mutation, located in coding exon 9 of the BRCA1 gene, results from a deletion of one nucleotide at nucleotide position 3013, causing a translational frameshift with a predicted alternate stop codon (p.E1005Nfs*19). This mutation (designated as 3131delG) was reported in a breast cancer family in the literature (Goelen G et al. J. Med. Genet. 1999 Apr;36:304-8). This variant is considered to be rare based on population cohorts in the Genome Aggregation Database (gnomAD). In addition to the clinical data presented in the literature, this alteration is expected to result in loss of function by premature protein truncation or nonsense-mediated mRNA decay. As such, this alteration is interpreted as a disease-causing mutation.

Labcorp Genetics (formerly Invitae), Labcorp
Classification: Pathogenic for Hereditary breast ovarian cancer syndrome. Last evaluated: 2021-02-18. Review status: criteria provided, single submitter. Criteria: Invitae Variant Classification Sherloc (09022015). Collection method: clinical testing. Allele origin: germline. Not counted in ClinVar's aggregate classification.
Comment: This sequence change deletes 1 nucleotide from exon 10 of the BRCA1 mRNA (c.3013delG), causing a frameshift at codon 1005. This creates a premature translational stop signal (p.Glu1005Asnfs*19) and is expected to result in an absent or disrupted protein product. Loss-of-function variants in BRCA1 are known to be pathogenic. This particular variant has been reported in the literature in individuals affected or suspected of being affected with hereditary breast/ovarian cancer (PMID: 10227398, 22762150). This variant is also known as 3131delG in the literature. For these reasons, this variant has been classified as Pathogenic.

Color Diagnostics, LLC DBA Color Health
Classification: Pathogenic for Hereditary cancer-predisposing syndrome. Last evaluated: 2020-01-15. Review status: criteria provided, single submitter. Criteria: ACMG Guidelines, 2015. Collection method: clinical testing. Allele origin: germline. Not counted in ClinVar's aggregate classification.
Comment: This variant deletes 1 nucleotide in exon 10 of the BRCA1 gene, creating a frameshift and premature translation stop signal. This variant is expected to result in an absent or non-functional protein product. This variant has not been identified in the general population by the Genome Aggregation Database (gnomAD). Loss of BRCA1 function is a known mechanism of disease. Based on the available evidence, this variant is classified as Pathogenic.

Consortium of Investigators of Modifiers of BRCA1/2 (CIMBA), c/o University of Cambridge
Classification: Pathogenic for Breast-ovarian cancer, familial, susceptibility to, 1. Last evaluated: 2015-10-02. Review status: criteria provided, single submitter. Criteria: CIMBA Mutation Classification guidelines May 2016. Collection method: clinical testing. Allele origin: germline. Not counted in ClinVar's aggregate classification.

Sharing Clinical Reports Project (SCRP)
Classification: Pathogenic for Breast-ovarian cancer, familial 1. Last evaluated: 2007-05-03. Review status: no assertion criteria provided. Collection method: clinical testing. Allele origin: germline. Not counted in ClinVar's aggregate classification.

Breast Cancer Information Core (BIC) (BRCA1)
Classification: Pathogenic for Breast-ovarian cancer, familial 1. Last evaluated: 2002-05-29. Review status: no assertion criteria provided. Collection method: clinical testing. Allele origin: germline. Affected: yes. Observed: 2 variant alleles. Not counted in ClinVar's aggregate classification.

Literature cited by the submitters: PubMed 10227398 (cited by Ambry Genetics and Labcorp Genetics (formerly Invitae), Labcorp); PubMed 22762150 (cited by Labcorp Genetics (formerly Invitae), Labcorp).

NM_007294.4(BRCA1):c.3013del (p.Glu1005fs)

Gene: BRCA1 (BRCA1 DNA repair associated; minus strand). Cytogenetic location: 17q21.31.
Variant type: Deletion.
Coding change: c.3013del on transcript NM_007294.4 (MANE Select); coding-DNA position 3013, one base deleted (G; older notation c.3013delG).
Protein change: p.Glu1005fs; shifts the reading frame from glutamic acid 1005.
Molecular consequence: frameshift variant. On other transcripts: intron variant (137).
Genome position (GRCh38, 1-based): chr17:43,092,518, C deleted on the plus strand (G on the coding strand, the reverse complement: BRCA1 is on the minus strand); the first of 2 consecutive C bases (chr17:43,092,518-43,092,519); deleting either gives the same sequence. VCF-style (leftmost placement, unchanged base first): chr17-43092517-TC-T. GRCh37 (hg19) VCF-style: chr17-41244534-TC-T.
Other names: 3132delG; c.3013delG (NM_007294.3); c.3013del, p.Glu1005fs (NM_001407618.1, NM_001407619.1, NM_001407620.1 and 30 more transcripts); c.3010del, p.Glu1004fs (NM_001407627.1, NM_001407628.1, NM_001407629.1 and 22 more transcripts); c.3004del, p.Glu1002fs (NM_001407646.1, NM_001407647.1); c.2890del, p.Glu964fs (NM_001407648.1, NM_001407664.1, NM_001407665.1 and 19 more transcripts); c.2887del, p.Glu963fs (NM_001407649.1, NM_001407670.1, NM_001407671.1 and 11 more transcripts); c.2935del, p.Glu979fs (NM_001407653.1, NM_001407654.1, NM_001407655.1 and 4 more transcripts); and 43 more; short protein forms E1005fs, E958fs, E837fs, E979fs, E709fs, E963fs, E964fs, E877fs.
Identifiers: ClinVar variation 54748 (VCV000054748.23), dbSNP rs80357937, ClinGen allele CA001967.
Genomic context (GRCh38, chr17:43,092,517, plus strand): 5'-GTGCTCACTGTACTTGGAATGTTCTCATTTCCCATTTCTCTTTCAGGTGACATTGAATGT[TC>T]CTCAAAGTTTTCCTCTAGCAGATTTTTCTTACATTTAGTTTTAACAAATGACTTGATGGG-3'